The following is an entry in ClinVar:

NM_015512.5(DNAH1):c.8507T>G (p.Leu2836Arg)

Gene: DNAH1 (dynein axonemal heavy chain 1; plus strand). Cytogenetic location: 3p21.1.
Variant type: single nucleotide variant.
Coding change: c.8507T>G on transcript NM_015512.5 (MANE Select); coding-DNA position 8507, T replaced by G.
Protein change: p.Leu2836Arg; replaces leucine 2836 with arginine.
Molecular consequence: missense variant.
Genome position (GRCh38, 1-based): chr3:52,384,970, T>G. VCF-style: chr3-52384970-T-G. GRCh37 (hg19) VCF-style: chr3-52418986-T-G.
Other names: short protein forms L2836R.
Identifiers: ClinVar variation 2934554 (VCV002934554.3), dbSNP rs917160133, ClinGen allele CA353188205.

ClinVar aggregate classification (germline): Uncertain significance (1 of 4 stars; one submission).

Conditions:
Spermatogenic failure 18. Identifiers: MedGen C4539783, MONDO:0054615, OMIM 617576.
Ciliary dyskinesia, primary, 37 (CILD37). Also called: CILIARY DYSKINESIA, PRIMARY, 37, WITH OR WITHOUT SITUS INVERSUS. Identifiers: MedGen C4539798, MONDO:0033204, OMIM 617577.

Allele frequency attached by ClinVar (database versions not stated): gnomAD exomes 0.00001.
gnomAD v4.1: 17 of 1,612,616 alleles (0.0011%); highest among the groups gnomAD compares: Admixed American, 0.0017%; no homozygotes.

Submission:

Labcorp Genetics (formerly Invitae), Labcorp
Classification: Uncertain significance for Ciliary dyskinesia, primary, 37; Spermatogenic failure 18. Last evaluated: 2023-11-18. Review status: criteria provided, single submitter. Criteria: Invitae Variant Classification Sherloc (09022015). Collection method: clinical testing. Allele origin: germline.
Comment: This sequence change replaces leucine, which is neutral and non-polar, with arginine, which is basic and polar, at codon 2836 of the DNAH1 protein (p.Leu2836Arg). This variant is present in population databases (no rsID available, gnomAD 0.003%). This variant has not been reported in the literature in individuals affected with DNAH1-related conditions. Advanced modeling of protein sequence and biophysical properties (such as structural, functional, and spatial information, amino acid conservation, physicochemical variation, residue mobility, and thermodynamic stability) performed at Invitae indicates that this missense variant is expected to disrupt DNAH1 protein function with a positive predictive value of 80%. In summary, the available evidence is currently insufficient to determine the role of this variant in disease. Therefore, it has been classified as a Variant of Uncertain Significance.